The following is an entry in ClinVar:

NM_001184.4(ATR):c.4600G>C (p.Val1534Leu)

Gene: ATR (ATR checkpoint kinase; minus strand). Cytogenetic location: 3q23.
Variant type: single nucleotide variant.
Coding change: c.4600G>C on transcript NM_001184.4 (MANE Select); coding-DNA position 4600, G replaced by C.
Protein change: p.Val1534Leu; replaces valine 1534 with leucine.
Molecular consequence: missense variant.
Genome position (GRCh38, 1-based): chr3:142,513,542, C>G on the plus strand (G>C on the coding strand, the complement: ATR is on the minus strand). VCF-style: chr3-142513542-C-G. GRCh37 (hg19) VCF-style: chr3-142232384-C-G.
Other names: c.4408G>C, p.Val1470Leu (NM_001354579.2); short protein forms V1470L, V1534L.
Identifiers: ClinVar variation 2110669 (VCV002110669.4), dbSNP rs2473223508, ClinGen allele CA354796836.

ClinVar aggregate classification (germline): Uncertain significance (1 of 4 stars; one submission).

Submission:

Labcorp Genetics (formerly Invitae), Labcorp
Classification: Uncertain significance. Last evaluated: 2022-03-13. Review status: criteria provided, single submitter. Criteria: Invitae Variant Classification Sherloc (09022015). Collection method: clinical testing. Allele origin: germline.
Comment: In summary, the available evidence is currently insufficient to determine the role of this variant in disease. Therefore, it has been classified as a Variant of Uncertain Significance. Algorithms developed to predict the effect of missense changes on protein structure and function (SIFT, PolyPhen-2, Align-GVGD) all suggest that this variant is likely to be tolerated. This variant has not been reported in the literature in individuals affected with ATR-related conditions. This variant is not present in population databases (gnomAD no frequency). This sequence change replaces valine, which is neutral and non-polar, with leucine, which is neutral and non-polar, at codon 1534 of the ATR protein (p.Val1534Leu).